The following is an entry in ClinVar:

ClinVar aggregate classification (germline): Pathogenic (1 of 4 stars; one submission).

Submission:

GeneDx
Classification: Pathogenic. Last evaluated: 2017-08-11. Review status: criteria provided, single submitter. Criteria: GeneDx Variant Classification (06012015). Collection method: clinical testing. Allele origin: germline. Affected: yes.
Comment: Although the c.2444_2445delAA variant in the RASA1 gene has not been reported to our knowledge, this variant causes a shift in reading frame starting at codon Lysine 815, changing it to an Arginine, and creating a premature stop codon at position 14 of the new reading frame, denoted p.Lys815ArgfsX14. This pathogenic variant is expected to result in either an abnormal, truncated protein product or loss of protein from this allele through nonsense-mediated mRNA decay. Other frameshift variants in the RASA1 gene have been reported in HGMD in association with RASA1-related disorders (Stenson et al., 2014). Furthermore, the c.2444_2445delAA variant was not observed in approximately 6,500 individuals of European and African American ancestry in the NHLBI Exome Sequencing Project, indicating it is not a common benign variant in these populations.

NM_002890.3(RASA1):c.2444_2445del (p.Lys815fs)

Genes: CCNH (cyclin H; minus strand), RASA1 (RAS p21 protein activator 1; plus strand). Cytogenetic location: 5q14.3.
Variant type: Deletion.
Coding change: c.2444_2445del on transcript NM_002890.3 (MANE Select); coding-DNA positions 2444 to 2445, 2 bases deleted (AA; older notation c.2444_2445delAA).
Protein change: p.Lys815fs; shifts the reading frame from lysine 815.
Molecular consequence: frameshift variant. On other transcripts: intron variant (1).
Genome position (GRCh38, 1-based): chr5:87,378,495-87,378,496, AA deleted; deleting any 2 consecutive bases within chr5:87,378,494-87,378,496 gives the same sequence; the c. name uses the placement nearest the transcript's 3' end. VCF-style (leftmost placement, unchanged base first): chr5-87378493-GAA-G. GRCh37 (hg19) VCF-style: chr5-86674310-GAA-G.
Other names: c.1913_1914del, p.Lys638fs (NM_022650.3); c.933+16549_933+16550del (NM_001364075.2); short protein forms K638fs, K815fs.
Identifiers: ClinVar variation 280256 (VCV000280256.4), dbSNP rs886041492, ClinGen allele CA10602966.